The following is an entry in ClinVar:

ClinVar aggregate classification (germline): Uncertain significance. Review status: criteria provided, multiple submitters, no conflicts (2 of 4 stars). 2 submissions from 2 submitters: Uncertain significance (2). Last evaluated 2021-04-30.

gnomAD v4.1: 2 of 1,613,518 alleles (0.00012%); highest among the groups gnomAD compares: Non-Finnish European, 0.00017%; no homozygotes.

Submissions (2):

Labcorp Genetics (formerly Invitae), Labcorp
Classification: Uncertain significance. Last evaluated: 2021-04-30. Review status: criteria provided, single submitter. Criteria: Invitae Variant Classification Sherloc (09022015). Collection method: clinical testing. Allele origin: germline.
Comment: In summary, the available evidence is currently insufficient to determine the role of this variant in disease. Therefore, it has been classified as a Variant of Uncertain Significance. Advanced modeling of protein sequence and biophysical properties (such as structural, functional, and spatial information, amino acid conservation, physicochemical variation, residue mobility, and thermodynamic stability) performed at Invitae indicates that this missense variant is expected to disrupt LRP5 protein function. This variant has not been reported in the literature in individuals with LRP5-related conditions. This variant is not present in population databases (ExAC no frequency). This sequence change replaces aspartic acid with glutamic acid at codon 792 of the LRP5 protein (p.Asp792Glu). The aspartic acid residue is highly conserved and there is a small physicochemical difference between aspartic acid and glutamic acid.

Blueprint Genetics
Classification: Uncertain significance. Last evaluated: 2018-12-07. Review status: criteria provided, single submitter. Criteria: ACMG Guidelines, 2015. Collection method: clinical testing. Allele origin: germline.

NM_002335.4(LRP5):c.2376C>G (p.Asp792Glu)

Gene: LRP5 (LDL receptor related protein 5; plus strand). Cytogenetic location: 11q13.2.
Variant type: single nucleotide variant.
Coding change: c.2376C>G on transcript NM_002335.4 (MANE Select); coding-DNA position 2376, C replaced by G.
Protein change: p.Asp792Glu; replaces aspartic acid 792 with glutamic acid.
Molecular consequence: missense variant.
Genome position (GRCh38, 1-based): chr11:68,411,493, C>G. VCF-style: chr11-68411493-C-G. GRCh37 (hg19) VCF-style: chr11-68178961-C-G.
Other names: c.633C>G, p.Asp211Glu (NM_001291902.2); short protein forms D211E, D792E.
Identifiers: ClinVar variation 1462744 (VCV001462744.9), dbSNP rs759574283, ClinGen allele CA381617006.